The following is an entry in ClinVar:

ClinVar aggregate classification (germline): Uncertain significance (1 of 4 stars; one submission).

gnomAD v4.1: 15 of 1,612,612 alleles (0.00093%); highest among the groups gnomAD compares: East Asian, 0.0022%; no homozygotes.

Submission:

Labcorp Genetics (formerly Invitae), Labcorp
Classification: Uncertain significance. Last evaluated: 2024-05-16. Review status: criteria provided, single submitter. Criteria: Invitae Variant Classification Sherloc (09022015). Collection method: clinical testing. Allele origin: germline.
Comment: This sequence change replaces glutamic acid, which is acidic and polar, with lysine, which is basic and polar, at codon 323 of the LAMC3 protein (p.Glu323Lys). This variant is present in population databases (rs780027053, gnomAD 0.005%). This variant has not been reported in the literature in individuals affected with LAMC3-related conditions. An algorithm developed to predict the effect of missense changes on protein structure and function (PolyPhen-2) suggests that this variant is likely to be disruptive. In summary, the available evidence is currently insufficient to determine the role of this variant in disease. Therefore, it has been classified as a Variant of Uncertain Significance.

NM_006059.4(LAMC3):c.967G>A (p.Glu323Lys)

Gene: LAMC3 (laminin subunit gamma 3; plus strand). Cytogenetic location: 9q34.12.
Variant type: single nucleotide variant.
Coding change: c.967G>A on transcript NM_006059.4 (MANE Select); coding-DNA position 967, G replaced by A.
Protein change: p.Glu323Lys; replaces glutamic acid 323 with lysine.
Molecular consequence: missense variant.
Genome position (GRCh38, 1-based): chr9:131,036,323, G>A. VCF-style: chr9-131036323-G-A. GRCh37 (hg19) VCF-style: chr9-133911710-G-A.
Other names: short protein forms E323K.
Identifiers: ClinVar variation 3716046 (VCV003716046.1).